The following is an entry in ClinVar:

NM_000199.5(SGSH):c.*833A>G

Gene: SGSH (N-sulfoglucosamine sulfohydrolase; minus strand). Cytogenetic location: 17q25.3.
Variant type: single nucleotide variant.
Coding change: c.*833A>G on transcript NM_000199.5 (MANE Select); 833 bases downstream of the stop codon, A replaced by G.
Molecular consequence: 3 prime UTR variant. On other transcripts: non-coding transcript variant (1).
Genome position (GRCh38, 1-based): chr17:80,209,619, T>C on the plus strand (A>G on the coding strand, the complement: SGSH is on the minus strand). VCF-style: chr17-80209619-T-C. GRCh37 (hg19) VCF-style: chr17-78183418-T-C.
Other names: c.*1429A>G (NM_001352921.3); c.*1392A>G (NM_001352922.2).
Identifiers: ClinVar variation 325816 (VCV000325816.6), dbSNP rs2012452, ClinGen allele CA10651275.
Genomic context (GRCh38, chr17:80,209,619, plus strand): 5'-CATCGCCACCCAGCAACGCCAGTGTCACCGAAGAATTAACCCAAGGCAGAGGATGGGCAT[T>C]GCCACCCAGCAACGCCAGTGTCACCGAAGAATTAACCCAAGCCAGAGGACGGGCATCACC-3'

ClinVar aggregate classification (germline): Benign. Review status: criteria provided, multiple submitters, no conflicts (2 of 4 stars). 2 submissions from 2 submitters: Benign (2). Last evaluated 2018-01-12.

Conditions:
Mucopolysaccharidosis, MPS-III-A (MPS3A). Also called: MUCOPOLYSACCHARIDOSIS, TYPE IIIA, ATTENUATED; Mucopolysaccharidosis type IIIA (Sanfilippo A); mucopolysaccharidosis type 3A; MPS IIIA (Sanfilippo Syndrome Type A); MPS III A; HEPARAN SULFATE SULFATASE DEFICIENCY. Identifiers: Orphanet 581, Orphanet 79269, MedGen C0086647, MONDO:0009655, OMIM 252900.

Allele frequency attached by ClinVar (database versions not stated): gnomAD 0.07582 and 0.07846; 1000 Genomes Project 0.08127.

Submissions (2):

Illumina Laboratory Services, Illumina
Classification: Benign for Mucopolysaccharidosis, MPS-III-A. Last evaluated: 2018-01-12. Review status: criteria provided, single submitter. Criteria: ICSL Variant Classification Criteria 13 December 2019. Collection method: clinical testing. Allele origin: germline.
Comment: This variant was observed in the ICSL laboratory as part of a predisposition screen in an ostensibly healthy population. It had not been previously curated by ICSL or reported in the Human Gene Mutation Database (HGMD: prior to June 1st, 2018), and was therefore a candidate for classification through an automated scoring system. Utilizing variant allele frequency, disease prevalence and penetrance estimates, and inheritance mode, an automated score was calculated to assess if this variant is too frequent to cause the disease. Based on the score and internal cut-off values, a variant classified as benign is not then subjected to further curation. The score for this variant resulted in a classification of benign for this disease.

Breakthrough Genomics
Classification: Benign. Review status: criteria provided, single submitter. Criteria: ACMG Guidelines, 2015. Collection method: not provided. Allele origin: germline. Inheritance: Autosomal recessive inheritance. Affected: yes.